The following is an entry in ClinVar:

NM_004360.5(CDH1):c.247delinsGTGTGG (p.Ile83fs)

Gene: CDH1 (cadherin 1; plus strand). Cytogenetic location: 16q22.1.
Variant type: Indel.
Coding change: c.247delinsGTGTGG on transcript NM_004360.5 (MANE Select); coding-DNA position 247, A replaced by GTGTGG.
Protein change: p.Ile83fs; shifts the reading frame from isoleucine 83.
Molecular consequence: frameshift variant. On other transcripts: 5 prime UTR variant (2).
Genome position (GRCh38, 1-based): chr16:68,801,753, A replaced by GTGTGG. VCF-style: chr16-68801753-A-GTGTGG. GRCh37 (hg19) VCF-style: chr16-68835656-A-GTGTGG.
Other names: c.247delinsGTGTGG, p.Ile83fs (NM_001317184.2); c.-1369delinsGTGTGG (NM_001317185.2); c.-1573delinsGTGTGG (NM_001317186.2); short protein forms I83fs.
Identifiers: ClinVar variation 2583721 (VCV002583721.2), dbSNP rs2543905020, ClinGen allele CA2582342551.

ClinVar aggregate classification (germline): Pathogenic (1 of 4 stars; one submission).

Conditions:
Hereditary diffuse gastric adenocarcinoma (HDGC). Also called: DIFFUSE GASTRIC AND LOBULAR BREAST CANCER SYNDROME. Identifiers: Orphanet 26106, MedGen C1708349, MONDO:0007648, OMIM 137215.

Submission:

Myriad Genetics, Inc.
Classification: Pathogenic for Hereditary diffuse gastric adenocarcinoma. Last evaluated: 2023-06-08. Review status: criteria provided, single submitter. Criteria: Myriad Autosomal Dominant, Autosomal Recessive and X-Linked Classification Criteria (2023). Collection method: clinical testing. Allele origin: unknown.
Comment: This variant is considered pathogenic. This variant creates a frameshift predicted to result in premature protein truncation.